The following is an entry in ClinVar:

NM_001385012.1(NBEA):c.880C>T (p.His294Tyr)

Gene: NBEA (neurobeachin; plus strand). Cytogenetic location: 13q13.3.
Variant type: single nucleotide variant.
Coding change: c.880C>T on transcript NM_001385012.1 (MANE Select); coding-DNA position 880, C replaced by T.
Protein change: p.His294Tyr; replaces histidine 294 with tyrosine.
Molecular consequence: missense variant.
Genome position (GRCh38, 1-based): chr13:35,050,303, C>T. VCF-style: chr13-35050303-C-T. GRCh37 (hg19) VCF-style: chr13-35624440-C-T.
Other names: c.880C>T, p.His294Tyr (NM_001379245.1, NM_015678.5); short protein forms H294Y.
Identifiers: ClinVar variation 1316971 (VCV001316971.2), dbSNP rs2152563409, ClinGen allele CA387961954.

ClinVar aggregate classification (germline): Uncertain significance (1 of 4 stars; one submission).

Submission:

GeneDx
Classification: Uncertain significance. Last evaluated: 2019-06-14. Review status: criteria provided, single submitter. Criteria: GeneDx Variant Classification Process June 2021. Collection method: clinical testing. Allele origin: germline. Affected: yes.
Comment: Not observed in large population cohorts (Lek et al., 2016); In silico analysis, which includes protein predictors and evolutionary conservation, supports a deleterious effect; Has not been previously published as pathogenic or benign to our knowledge